The following is an entry in ClinVar:

NM_001378189.1(CFAP57):c.3010-8G>A

Genes: CFAP57 (cilia and flagella associated protein 57; plus strand), EBNA1BP2 (EBNA1 binding protein 2; minus strand), LOC105378685 (uncharacterized LOC105378685; minus strand). Cytogenetic location: 1p34.2.
Variant type: single nucleotide variant.
Coding change: c.3010-8G>A on transcript NM_001378189.1 (MANE Select); 8 bases into the intron before coding-DNA position 3010, G replaced by A.
Molecular consequence: intron variant.
Genome position (GRCh38, 1-based): chr1:43,232,500, G>A. VCF-style: chr1-43232500-G-A. GRCh37 (hg19) VCF-style: chr1-43698171-G-A.
Other names: c.3109-8G>A (NM_001195831.3).
Identifiers: ClinVar variation 3051891 (VCV003051891.2), dbSNP rs775978346, ClinGen allele CA21615180.

ClinVar aggregate classification (germline): Likely benign (0 of 4 stars; one submission).

Conditions:
CFAP57-related disorder. Also called: CFAP57-related condition.

Allele frequency attached by ClinVar (database versions not stated): TOPMed 0.00014; gnomAD 0.00011.
gnomAD v4.1: 238 of 1,547,308 alleles (0.015%); highest among the groups gnomAD compares: Non-Finnish European, 0.02%; 1 homozygote.

Submission:

PreventionGenetics, part of Exact Sciences
Classification: Likely benign for CFAP57-related condition. Last evaluated: 2020-01-21. Review status: no assertion criteria provided. Collection method: clinical testing. Allele origin: germline.
Comment: This variant is classified as likely benign based on ACMG/AMP sequence variant interpretation guidelines (Richards et al. 2015 PMID: 25741868, with internal and published modifications).